The following is an entry in ClinVar:

NM_201253.3(CRB1):c.635G>T (p.Cys212Phe)

Gene: CRB1 (crumbs cell polarity complex component 1; plus strand). Cytogenetic location: 1q31.3.
Variant type: single nucleotide variant.
Coding change: c.635G>T on transcript NM_201253.3 (MANE Select); coding-DNA position 635, G replaced by T.
Protein change: p.Cys212Phe; replaces cysteine 212 with phenylalanine.
Molecular consequence: missense variant. On other transcripts: non-coding transcript variant (2).
Genome position (GRCh38, 1-based): chr1:197,328,986, G>T. VCF-style: chr1-197328986-G-T. GRCh37 (hg19) VCF-style: chr1-197298116-G-T.
Other names: c.635G>T, p.Cys212Phe (NM_001193640.2, NM_001257966.2); c.428G>T, p.Cys143Phe (NM_001257965.2); short protein forms C143F, C212F.
Identifiers: ClinVar variation 1055115 (VCV001055115.7), dbSNP rs1658699227, ClinGen allele CA344081726.

ClinVar aggregate classification (germline): Uncertain significance. Review status: criteria provided, multiple submitters, no conflicts (2 of 4 stars). 5 submissions from 3 submitters: Uncertain significance (5). Last evaluated 2023-04-11.

Conditions:
Retinitis pigmentosa 12 (RP12). Also called: RP WITH OR WITHOUT PPRPE; RP WITH OR WITHOUT PRESERVED PARAARTERIOLE RETINAL PIGMENT EPITHELIUM; RETINITIS PIGMENTOSA WITH OR WITHOUT PARAARTERIOLAR PRESERVATION OF RETINAL PIGMENT EPITHELIUM. Identifiers: Orphanet 791, MedGen C1838647, MONDO:0010818, OMIM 600105.
Leber congenital amaurosis 8 (LCA8). Identifiers: Orphanet 65, MedGen C3151202, MONDO:0013453, OMIM 613835.
Pigmented paravenous retinochoroidal atrophy. Identifiers: Orphanet 251295, MedGen C1868310, MONDO:0008246, OMIM 172870.

Allele frequency attached by ClinVar (database versions not stated): gnomAD 0.00001.
gnomAD v4.1: 2 of 1,612,506 alleles (0.00012%); highest among the groups gnomAD compares: Admixed American, 0.0017%; no homozygotes.

Submissions (5):

Genome-Nilou Lab
Classification: Uncertain significance for Leber congenital amaurosis 8. Last evaluated: 2023-04-11. Review status: criteria provided, single submitter. Criteria: ACMG Guidelines, 2015. Collection method: clinical testing. Allele origin: germline. Affected: no.

Genome-Nilou Lab
Classification: Uncertain significance for Pigmented paravenous retinochoroidal atrophy. Last evaluated: 2023-04-11. Review status: criteria provided, single submitter. Criteria: ACMG Guidelines, 2015. Collection method: clinical testing. Allele origin: germline. Affected: no.

Genome-Nilou Lab
Classification: Uncertain significance for Retinitis pigmentosa 12. Last evaluated: 2023-04-11. Review status: criteria provided, single submitter. Criteria: ACMG Guidelines, 2015. Collection method: clinical testing. Allele origin: germline. Affected: no.

Fulgent Genetics
Classification: Uncertain significance for Pigmented paravenous retinochoroidal atrophy; Retinitis pigmentosa 12; Leber congenital amaurosis 8. Last evaluated: 2021-12-03. Review status: criteria provided, single submitter. Criteria: ACMG Guidelines, 2015. Collection method: clinical testing. Allele origin: unknown.

Labcorp Genetics (formerly Invitae), Labcorp
Classification: Uncertain significance for Leber congenital amaurosis 8; Retinitis pigmentosa 12. Last evaluated: 2021-08-31. Review status: criteria provided, single submitter. Criteria: Invitae Variant Classification Sherloc (09022015). Collection method: clinical testing. Allele origin: germline.
Comment: This sequence change replaces cysteine with phenylalanine at codon 212 of the CRB1 protein (p.Cys212Phe). The cysteine residue is highly conserved and there is a large physicochemical difference between cysteine and phenylalanine. This variant is not present in population databases (ExAC no frequency). This variant has not been reported in the literature in individuals affected with CRB1-related conditions. Algorithms developed to predict the effect of missense changes on protein structure and function (SIFT, PolyPhen-2, Align-GVGD) all suggest that this variant is likely to be disruptive. In summary, the available evidence is currently insufficient to determine the role of this variant in disease. Therefore, it has been classified as a Variant of Uncertain Significance.